The following is an entry in ClinVar:

NM_019892.6(INPP5E):c.1792G>A (p.Gly598Arg)

Gene: INPP5E (inositol polyphosphate-5-phosphatase E; minus strand). Cytogenetic location: 9q34.3.
Variant type: single nucleotide variant.
Coding change: c.1792G>A on transcript NM_019892.6 (MANE Select); coding-DNA position 1792, G replaced by A.
Protein change: p.Gly598Arg; replaces glycine 598 with arginine.
Molecular consequence: missense variant.
Genome position (GRCh38, 1-based): chr9:136,430,287, C>T on the plus strand (G>A on the coding strand, the complement: INPP5E is on the minus strand). VCF-style: chr9-136430287-C-T. GRCh37 (hg19) VCF-style: chr9-139324739-C-T.
Other names: c.1792G>A (NM_019892.5); c.1789G>A, p.Gly597Arg (NM_001318502.2); short protein forms G597R, G598R.
Identifiers: ClinVar variation 4905669 (VCV004905669.2).
Genomic context (GRCh38, chr9:136,430,287, plus strand): 5'-ACGGCACGACCCCCAGGCCCAAGGGGGAAGGTGAGCGGGAGAACACTGACTTGTCTCGCC[C>T]CGGCCTCACTTTCACCCGGAAGAGGCCATACACAGGGCGGTGGTCGGACGTCTTGATCCC-3'
Protein context (NP_063945.2, residues 588-608): YGLFRVKVRP[Gly598Arg]RDNIPLAAGK

ClinVar aggregate classification (germline): Uncertain significance. Review status: criteria provided, multiple submitters, no conflicts (2 of 4 stars). 2 submissions from 2 submitters: Uncertain significance (2). Last evaluated 2026-04-28.

Conditions:
INPP5E-related disorder. Also called: INPP5E-related condition.

Submissions (2):

PreventionGenetics, part of Exact Sciences
Classification: Uncertain significance for INPP5E-related condition. Last evaluated: 2026-04-28. Review status: criteria provided, single submitter. Criteria: ACMG Guidelines, 2015. Collection method: clinical testing. Allele origin: germline.
Comment: The INPP5E c.1792G>A variant is predicted to result in the amino acid substitution p.Gly598Arg. To our knowledge, this variant has not been reported in the literature or in a large population database (gnomAD), indicating this variant is rare. At this time, the clinical significance of this variant is uncertain due to the absence of conclusive functional and genetic evidence.

Blueprint Genetics
Classification: Uncertain significance. Last evaluated: 2022-09-26. Review status: criteria provided, single submitter. Criteria: ACMG Guidelines, 2015. Collection method: clinical testing. Allele origin: germline.